The following is an entry in ClinVar:

NM_000057.4(BLM):c.277G>T (p.Ala93Ser)

Gene: BLM (BLM RecQ like helicase; plus strand). Cytogenetic location: 15q26.1.
Variant type: single nucleotide variant.
Coding change: c.277G>T on transcript NM_000057.4 (MANE Select); coding-DNA position 277, G replaced by T.
Protein change: p.Ala93Ser; replaces alanine 93 with serine.
Molecular consequence: missense variant. On other transcripts: 5 prime UTR variant (1).
Genome position (GRCh38, 1-based): chr15:90,749,545, G>T. VCF-style: chr15-90749545-G-T. GRCh37 (hg19) VCF-style: chr15-91292775-G-T.
Other names: c.277G>T, p.Ala93Ser (NM_001287246.2, NM_001287247.2); c.-1015G>T (NM_001287248.2); short protein forms A93S.
Identifiers: ClinVar variation 4773073 (VCV004773073.2).

ClinVar aggregate classification (germline): Uncertain significance. Review status: criteria provided, multiple submitters, no conflicts (2 of 4 stars). 2 submissions from 2 submitters: Uncertain significance (2). Last evaluated 2026-05-18.

Conditions:
Bloom syndrome (BLM). Also called: Bloom-Torre-Machacek syndrome. Identifiers: Orphanet 125, MedGen C0005859, MONDO:0008876, OMIM 210900.
Hereditary cancer-predisposing syndrome. Also called: Hereditary neoplastic syndrome; Neoplastic Syndromes, Hereditary; Tumor predisposition; Hereditary Cancer Syndrome. Identifiers: Orphanet 140162, MedGen C0027672, MeSH D009386, MONDO:0015356.

Submissions (2):

Ambry Genetics
Classification: Uncertain significance for Hereditary cancer-predisposing syndrome. Last evaluated: 2026-05-18. Review status: criteria provided, single submitter. Criteria: Ambry Variant Classification Scheme 2023. Collection method: clinical testing. Allele origin: germline.
Comment: The p.A93S variant (also known as c.277G>T), located in coding exon 2 of the BLM gene, results from a G to T substitution at nucleotide position 277. The alanine at codon 93 is replaced by serine, an amino acid with similar properties. This amino acid position is conserved. In addition, this alteration is predicted to be tolerated by in silico analysis. Based on the available evidence, the clinical significance of this variant remains unclear.

Labcorp Genetics (formerly Invitae), Labcorp
Classification: Uncertain significance for Bloom syndrome. Last evaluated: 2026-01-02. Review status: criteria provided, single submitter. Criteria: Invitae Variant Classification Sherloc (09022015). Collection method: clinical testing. Allele origin: germline.
Comment: This sequence change replaces alanine, which is neutral and non-polar, with serine, which is neutral and polar, at codon 93 of the BLM protein (p.Ala93Ser). This variant is not present in population databases (gnomAD no frequency). This variant has not been reported in the literature in individuals affected with BLM-related conditions. An algorithm developed to predict the effect of missense changes on protein structure and function outputs the following: PolyPhen-2: "Benign". The serine amino acid residue is found in multiple mammalian species, which suggests that this missense change does not adversely affect protein function. In summary, the available evidence is currently insufficient to determine the role of this variant in disease. Therefore, it has been classified as a Variant of Uncertain Significance.